The following is an entry in ClinVar:

NM_177438.3(DICER1):c.1790G>A (p.Gly597Asp)

Gene: DICER1 (dicer 1, ribonuclease III; minus strand). Cytogenetic location: 14q32.13.
Variant type: single nucleotide variant.
Coding change: c.1790G>A on transcript NM_177438.3 (MANE Select); coding-DNA position 1790, G replaced by A.
Protein change: p.Gly597Asp; replaces glycine 597 with aspartic acid.
Molecular consequence: missense variant. On other transcripts: non-coding transcript variant (6).
Genome position (GRCh38, 1-based): chr14:95,115,784, C>T on the plus strand (G>A on the coding strand, the complement: DICER1 is on the minus strand). VCF-style: chr14-95115784-C-T. GRCh37 (hg19) VCF-style: chr14-95582121-C-T.
Other names: c.1385G>A, p.Gly462Asp (NM_001395696.1, NM_001395698.1, NM_001395687.1 and 3 more transcripts); c.107G>A, p.Gly36Asp (NM_001395697.1); c.1790G>A, p.Gly597Asp (NM_030621.4, NM_001195573.1, NM_001271282.3 and 12 more transcripts); c.1508G>A, p.Gly503Asp (NM_001395686.1); c.1223G>A, p.Gly408Asp (NM_001395691.1); short protein forms G36D, G462D, G503D, G597D, G408D.
Identifiers: ClinVar variation 3271985 (VCV003271985.1).
Genomic context (GRCh38, chr14:95,115,784, plus strand): 5'-CTCAACACATATGGTGGGAAAACGTCATCATCATCCATGACAGGATCAATGTCAGTCTCA[C>T]CAGTATCAACCGACTTGGAACACTTGTTTCTCAAGATCTGAACATTTAAAAAACAGAACT-3'
Protein context (NP_803187.1, residues 587-607): RNKCSKSVDT[Gly597Asp]ETDIDPVMDD

ClinVar aggregate classification (germline): Uncertain significance (1 of 4 stars; one submission).

Conditions:
Hereditary cancer-predisposing syndrome. Also called: Tumor predisposition; Hereditary Cancer Syndrome; Hereditary neoplastic syndrome; Neoplastic Syndromes, Hereditary. Identifiers: Orphanet 140162, MedGen C0027672, MeSH D009386, MONDO:0015356.

Submission:

Ambry Genetics
Classification: Uncertain significance for Hereditary cancer-predisposing syndrome. Last evaluated: 2024-03-22. Review status: criteria provided, single submitter. Criteria: Ambry Variant Classification Scheme 2023. Collection method: clinical testing. Allele origin: germline.
Comment: The p.G597D variant (also known as c.1790G>A), located in coding exon 10 of the DICER1 gene, results from a G to A substitution at nucleotide position 1790. The glycine at codon 597 is replaced by aspartic acid, an amino acid with similar properties. This amino acid position is conserved. In addition, this alteration is predicted to be tolerated by in silico analysis. Based on the available evidence, the clinical significance of this alteration remains unclear.